The following is an entry in ClinVar:

ClinVar aggregate classification (germline): Pathogenic (1 of 4 stars; one submission).

Conditions:
Mandibulofacial dysostosis-microcephaly syndrome (MFDGA). Also called: Growth and mental retardation, mandibulofacial dysostosis, microcephaly, and cleft palate; Mandibulofacial dysostosis, Guion-Almeida type. Identifiers: Orphanet 79113, MedGen C1864652, MONDO:0012516, OMIM 610536.

Submission:

Illumina Laboratory Services, Illumina
Classification: Pathogenic for Mandibulofacial dysostosis-microcephaly syndrome. Last evaluated: 2019-07-26. Review status: criteria provided, single submitter. Criteria: ICSLVariantClassificationCriteria RUGD 01 April 2020. Collection method: clinical testing. Allele origin: unknown.
Comment: The EFTUD2 c.1904dupT p.(Tyr636LeufsTer8) variant causes a shift in the protein reading frame that is predicted to result in premature termination of the protein. Loss of normal protein function through either protein truncation or nonsense-mediated mRNA decay is expected. To our knowledge, this variant has not been reported in the peer-reviewed literature. This variant is not observed in version 2.1.1 or version 4.0.0 of the Genome Aggregation Database. Based on the available evidence, the c.1904dupT p.(Tyr636LeufsTer8) variant is classified as pathogenic for mandibulofacial dysostosis-microcephaly syndrome.

NM_004247.4(EFTUD2):c.1904dup (p.Tyr636fs)

Gene: EFTUD2 (elongation factor Tu GTP binding domain containing 2; minus strand). Cytogenetic location: 17q21.31.
Variant type: Duplication.
Coding change: c.1904dup on transcript NM_004247.4 (MANE Select); coding-DNA position 1904, one base duplicated (T; older notation c.1904dupT).
Protein change: p.Tyr636fs; shifts the reading frame from tyrosine 636.
Molecular consequence: frameshift variant.
Genome position (GRCh38, 1-based): chr17:44,859,138, A duplicated on the plus strand (T on the coding strand, the reverse complement: EFTUD2 is on the minus strand). VCF-style (leftmost placement, unchanged base first): chr17-44859137-G-GA. GRCh37 (hg19) VCF-style: chr17-42936505-G-GA.
Other names: c.1799dup, p.Tyr601fs (NM_001142605.2); c.1904dup, p.Tyr636fs (NM_001258353.2); c.1874dup, p.Tyr626fs (NM_001258354.2); short protein forms Y601fs, Y626fs, Y636fs.
Identifiers: ClinVar variation 3062106 (VCV003062106.1), dbSNP rs2508747614, ClinGen allele CA2695226146.
Genomic context (GRCh38, chr17:44,859,137, plus strand): 5'-TACCTTGATGTCTATCTCTGAGTACATCTTCCGCAAATCATGCATCACACAGTCCAGGTA[G>GA]AGCTCCCCAGTGCCCAGGATCACATGCTCGCCAGACTCCTCCACCTGAAACACAACAGGC-3'